The following is an entry in ClinVar:

ClinVar aggregate classification (germline): Uncertain significance (1 of 4 stars; one submission).

Conditions:
Von Hippel-Lindau syndrome (VHLS). Also called: VHL syndrome; Von Hippel-Lindau; von Hippel–Lindau syndrome. Identifiers: Orphanet 892, MedGen C0019562, MONDO:0008667, OMIM 193300. Disease mechanism: loss of function.
Chuvash polycythemia. Also called: POLYCYTHEMIA, VHL-DEPENDENT. Identifiers: Orphanet 238557, MedGen C1837915, MONDO:0009892, OMIM 263400.

Submission:

Labcorp Genetics (formerly Invitae), Labcorp
Classification: Uncertain significance for Von Hippel-Lindau syndrome; Chuvash polycythemia. Last evaluated: 2024-05-29. Review status: criteria provided, single submitter. Criteria: Invitae Variant Classification Sherloc (09022015). Collection method: clinical testing. Allele origin: germline.
Comment: This sequence change falls in intron 1 of the VHL gene. It is not expected to change the encoded amino acid sequence of the VHL protein. However, this sequence change falls within a cryptic exon in the VHL gene, known as exon E1’, which is naturally expressed at low levels in several human tissues (PMID: 29891534). This variant is not present in population databases (gnomAD no frequency). This variant has not been reported in the literature in individuals affected with VHL-related conditions. ClinVar contains an entry for this variant (Variation ID: 940853). Algorithms developed to predict the effect of sequence changes on RNA splicing suggest that this variant is not likely to affect RNA splicing. In summary, the available evidence is currently insufficient to determine the role of this variant in disease. Therefore, it has been classified as a Variant of Uncertain Significance.

Literature cited by the submitters: PubMed 29891534.

NM_000551.4(VHL):c.340+592G>A

Genes: VHL (von Hippel-Lindau tumor suppressor; plus strand), LOC107303340 (3p25 von Hippel-Lindau tumor suppressor, E3 ubiquitin protein ligase Alu-mediated recombination region; plus strand). Cytogenetic location: 3p25.3.
Variant type: single nucleotide variant.
Coding change: c.340+592G>A on transcript NM_000551.4 (MANE Select); 592 bases into the intron after coding-DNA position 340, G replaced by A.
Molecular consequence: intron variant. On other transcripts: synonymous variant (1).
Genome position (GRCh38, 1-based): chr3:10,142,779, G>A. VCF-style: chr3-10142779-G-A. GRCh37 (hg19) VCF-style: chr3-10184463-G-A.
Other names: c.357G>A, p.Val119= (NM_001354723.2); c.340+592G>A (NM_198156.3).
Identifiers: ClinVar variation 940853 (VCV000940853.10), dbSNP rs1696158247, ClinGen allele CA1139655732.